The following is an entry in ClinVar:

ClinVar aggregate classification (germline): Pathogenic. Review status: criteria provided, multiple submitters, no conflicts (2 of 4 stars). 2 submissions from 2 submitters: Pathogenic (2). Last evaluated 2023-05-19.

Conditions:
Familial cancer of breast. Also called: BREAST CANCER, FAMILIAL; Hereditary breast cancer; hereditary breast carcinoma. Identifiers: Orphanet 227535, MedGen C0346153, MONDO:0016419, OMIM 114480. Disease mechanism: loss of function.
Hereditary cancer-predisposing syndrome. Also called: Hereditary Cancer Syndrome; Neoplastic Syndromes, Hereditary; Tumor predisposition; Hereditary neoplastic syndrome. Identifiers: Orphanet 140162, MedGen C0027672, MeSH D009386, MONDO:0015356.

Submissions (2):

Myriad Genetics, Inc.
Classification: Pathogenic for Familial cancer of breast. Last evaluated: 2023-05-19. Review status: criteria provided, single submitter. Criteria: Myriad Autosomal Dominant, Autosomal Recessive and X-Linked Classification Criteria (2023). Collection method: clinical testing. Allele origin: unknown.
Comment: This variant is considered pathogenic. This variant creates a frameshift predicted to result in premature protein truncation.

Ambry Genetics
Classification: Pathogenic for Hereditary cancer-predisposing syndrome. Last evaluated: 2016-11-18. Review status: criteria provided, single submitter. Criteria: Ambry Variant Classification Scheme 2023. Collection method: clinical testing. Allele origin: germline.
Comment: The c.632dupT pathogenic mutation, located in coding exon 4 of the BARD1 gene, results from a duplication of T at nucleotide position 632, causing a translational frameshift with a predicted alternate stop codon (p.L211FFS*3). This alteration is expected to result in loss of function by premature protein truncation or nonsense-mediated mRNA decay. As such, this alteration is interpreted as a disease-causing mutation.

NM_000465.4(BARD1):c.632dup (p.Leu211fs)

Gene: BARD1 (BRCA1 associated RING domain 1; minus strand). Cytogenetic location: 2q35.
Variant type: Duplication.
Coding change: c.632dup on transcript NM_000465.4 (MANE Select); coding-DNA position 632, one base duplicated (T; older notation c.632dupT).
Protein change: p.Leu211fs; shifts the reading frame from leucine 211.
Molecular consequence: frameshift variant. On other transcripts: non-coding transcript variant (2), intron variant (3).
Genome position (GRCh38, 1-based): chr2:214,781,242, A duplicated on the plus strand (T on the coding strand, the reverse complement: BARD1 is on the minus strand); the first of 3 consecutive A bases (chr2:214,781,242-214,781,244); duplicating any one gives the same sequence. VCF-style (leftmost placement, unchanged base first): chr2-214781241-T-TA. GRCh37 (hg19) VCF-style: chr2-215645965-T-TA.
Other names: c.575dup, p.Leu192fs (NM_001282543.2); c.158+28168dup (NM_001282548.2); c.215+15817dup (NM_001282545.2); c.364+11053dup (NM_001282549.2); c.632dupT (NM_000465.2); short protein forms L211fs, L192fs.
Identifiers: ClinVar variation 481401 (VCV000481401.7), dbSNP rs999444545, ClinGen allele CA64788863.
Genomic context (GRCh38, chr2:214,781,241, plus strand): 5'-GGAGTCAAATTCACCATCTTCTTTTTCTGCCTCTAAATTCCATTTTTGGTTGATTTCAGC[T>TA]AAAGTTTTCTTTTTTTGCTTTTTTCCAGATCTTGCAGAAGCCTTTTTAGCCCTCTCAGAA-3'